The following is an entry in ClinVar:

ClinVar aggregate classification (germline): Uncertain significance (1 of 4 stars; one submission).

Conditions:
Ehlers-Danlos syndrome, type 4 (EDSVASC). Also called: Ehlers-Danlos Syndrome Type IV; Ehlers-Danlos syndrome vascular type; Ehlers Danlos syndrome, ecchymotic type; Ehlers Danlos syndrome, arterial type; Ehlers Danlos syndrome, Sack-Barabas type. Identifiers: Orphanet 286, MedGen C0268338, MONDO:0017314, OMIM 130050.

Allele frequency attached by ClinVar (database versions not stated): TOPMed below 0.00001; gnomAD 0.00001.
gnomAD v4.1: 1 of 1,613,732 alleles (0.000062%); highest among the groups gnomAD compares: African/African-American, 0.0013%; no homozygotes.

Submission:

All of Us Research Program, National Institutes of Health
Classification: Uncertain significance for Ehlers-Danlos syndrome, type 4. Last evaluated: 2023-05-16. Review status: criteria provided, single submitter. Criteria: ACMG Guidelines, 2015. Collection method: clinical testing. Allele origin: germline. Inheritance: Autosomal dominant inheritance. Observed: 1 variant allele, 1 heterozygote.
Comment: This variant causes a T to A nucleotide substitution at the -11 position of intron 13 of the COL3A1 gene. To our knowledge, functional studies have not been reported for this variant. This variant has not been reported in individuals affected with COL3A1-related disorders in the literature. This variant has not been identified in the general population by the Genome Aggregation Database (gnomAD). The available evidence is insufficient to determine the role of this variant in disease conclusively. Therefore, this variant is classified as a Variant of Uncertain Significance.

This study involves interpretation of variants in research participants for the purpose of population health screening. Participant phenotype was not available at the time of variant classification. Additional details can be found in publication PMID: 35346344, PMCID: PMC8962531

NM_000090.4(COL3A1):c.952-11T>A

Gene: COL3A1 (collagen type III alpha 1 chain; plus strand). Cytogenetic location: 2q32.2.
Variant type: single nucleotide variant.
Coding change: c.952-11T>A on transcript NM_000090.4 (MANE Select); 11 bases into the intron before coding-DNA position 952, T replaced by A.
Molecular consequence: intron variant.
Genome position (GRCh38, 1-based): chr2:188,992,173, T>A. VCF-style: chr2-188992173-T-A. GRCh37 (hg19) VCF-style: chr2-189856899-T-A.
Identifiers: ClinVar variation 3071280 (VCV003071280.1), dbSNP rs1398802050, ClinGen allele CA762193305.
Genomic context (GRCh38, chr2:188,992,173, plus strand): 5'-TTGGTCAAAATATTACTCATGACCAGCCATTCAGAATTAAAAGGATATTTGATGTAAACT[T>A]CTCTTTTTAGGGTGCTCGGGGTAATGACGGTGCTCGAGGCAGTGATGGTCAACCAGTAAG-3'